The following is an entry in ClinVar:

ClinVar aggregate classification (germline): Pathogenic (1 of 4 stars; one submission).

Submission:

Labcorp Genetics (formerly Invitae), Labcorp
Classification: Pathogenic. Last evaluated: 2023-05-11. Review status: criteria provided, single submitter. Criteria: Invitae Variant Classification Sherloc (09022015). Collection method: clinical testing. Allele origin: germline.
Comment: This variant has not been reported in the literature in individuals affected with CHD8-related conditions. For these reasons, this variant has been classified as Pathogenic. This variant is not present in population databases (gnomAD no frequency). This sequence change creates a premature translational stop signal (p.Asn1040Thrfs*12) in the CHD8 gene. It is expected to result in an absent or disrupted protein product. Loss-of-function variants in CHD8 are known to be pathogenic (PMID: 24998929, 26789910).

Literature cited by the submitters: PubMed 24998929; PubMed 26789910.

NM_001170629.2(CHD8):c.3119del (p.Asn1040fs)

Gene: CHD8 (chromodomain helicase DNA binding protein 8; minus strand). Cytogenetic location: 14q11.2.
Variant type: Deletion.
Coding change: c.3119del on transcript NM_001170629.2 (MANE Select); coding-DNA position 3119, one base deleted (A; older notation c.3119delA).
Protein change: p.Asn1040fs; shifts the reading frame from asparagine 1040.
Molecular consequence: frameshift variant.
Genome position (GRCh38, 1-based): chr14:21,405,397, T deleted on the plus strand (A on the coding strand, the reverse complement: CHD8 is on the minus strand); the first of 7 consecutive T bases (chr14:21,405,397-21,405,403); deleting any one gives the same sequence. VCF-style (leftmost placement, unchanged base first): chr14-21405396-GT-G. GRCh37 (hg19) VCF-style: chr14-21873555-GT-G.
Other names: c.2282del, p.Asn761fs (NM_020920.4); short protein forms N761fs, N1040fs.
Identifiers: ClinVar variation 2863426 (VCV002863426.3), dbSNP rs2501911040, ClinGen allele CA645590764.
Genomic context (GRCh38, chr14:21,405,396, plus strand): 5'-GTATTTCTTCTGGATATTAGTCAGCTCTACTTCAATAATTGTTTCCTGTTTGGGTGCCAA[GT>G]TTTTTTCAACATCCTCTTTGAGTCTTCTCAGCATCATTGGCTTAAGAATGGCCTGTAGCT-3'